The following is an entry in ClinVar:

NM_001220.5(CAMK2B):c.696+4_696+5del

Gene: CAMK2B (calcium/calmodulin dependent protein kinase II beta; minus strand). Cytogenetic location: 7p13.
Variant type: Deletion.
Coding change: c.696+4_696+5del on transcript NM_001220.5 (MANE Select); bases 4 to 5 of the intron after coding-DNA position 696, 2 bases deleted (AG; older notation c.696+4_696+5delAG).
Molecular consequence: intron variant.
Genome position (GRCh38, 1-based): chr7:44,242,555-44,242,556, CT deleted on the plus strand (AG on the coding strand, the reverse complement: CAMK2B is on the minus strand); deleting any 2 consecutive bases within chr7:44,242,555-44,242,557 gives the same sequence; the c. name uses the placement nearest the transcript's 3' end. VCF-style (leftmost placement, unchanged base first): chr7-44242554-ACT-A. GRCh37 (hg19) VCF-style: chr7-44282153-ACT-A.
Other names: c.696+4_696+5del (NM_172084.3, NM_172080.3, NM_172083.3 and 5 more transcripts).
Identifiers: ClinVar variation 2012742 (VCV002012742.4), dbSNP rs2486048205, ClinGen allele CA2580077180.

ClinVar aggregate classification (germline): Uncertain significance (1 of 4 stars; one submission).

Submission:

Labcorp Genetics (formerly Invitae), Labcorp
Classification: Uncertain significance. Last evaluated: 2022-07-01. Review status: criteria provided, single submitter. Criteria: Invitae Variant Classification Sherloc (09022015). Collection method: clinical testing. Allele origin: germline.
Comment: This variant has not been reported in the literature in individuals affected with CAMK2B-related conditions. In summary, the available evidence is currently insufficient to determine the role of this variant in disease. Therefore, it has been classified as a Variant of Uncertain Significance. Variants that disrupt the consensus splice site are a relatively common cause of aberrant splicing (PMID: 17576681, 9536098). Algorithms developed to predict the effect of sequence changes on RNA splicing suggest that this variant may disrupt the consensus splice site. This variant is not present in population databases (gnomAD no frequency). This sequence change falls in intron 9 of the CAMK2B gene. It does not directly change the encoded amino acid sequence of the CAMK2B protein. It affects a nucleotide within the consensus splice site.

Literature cited by the submitters: PubMed 17576681; PubMed 9536098.